The following is an entry in ClinVar:

ClinVar aggregate classification (germline): Pathogenic. Review status: criteria provided, single submitter (1 of 4 stars). 2 submissions from 1 submitter: Pathogenic (2). Last evaluated 2016-12-08.

Conditions:
Cutis laxa, autosomal dominant 3 (ADCL3). Identifiers: Orphanet 90348, MedGen C4225268, MONDO:0014706, OMIM 616603.
Autosomal dominant spastic paraplegia type 9. Identifiers: MedGen C1832669, MONDO:0015091.
de Barsy syndrome. Also called: Cutis laxa-corneal clouding-oligophrenia syndrome. Identifiers: Orphanet 2962, MedGen C0268354, MONDO:0017569.
ALDH18A1-related de Barsy syndrome. Also called: DE BARSY SYNDROME A; Cutis laxa, autosomal recessive IIIA. Identifiers: Orphanet 2962, Orphanet 35664, MedGen C5234852, MONDO:0009053, OMIM 219150.

Allele frequency attached by ClinVar (database versions not stated): TOPMed below 0.00001.

Submissions (2):

Labcorp Genetics (formerly Invitae), Labcorp
Classification: Pathogenic for de Barsy syndrome. Last evaluated: 2016-12-08. Review status: criteria provided, single submitter. Criteria: Invitae Variant Classification Sherloc (09022015). Collection method: clinical testing. Allele origin: germline.
Comment: This sequence change deletes 1 nucleotide from exon 7 of the ALDH18A1 mRNA (c.741delT), causing a frameshift at codon 247. This creates a premature translational stop signal (p.Asp247Glufs*11) and is expected to result in an absent or disrupted protein product. While this particular variant has not been reported in the literature, loss-of-function variants in ALDH18A1 are known to be pathogenic (PMID: 21739576). For these reasons, this variant has been classified as Pathogenic.

Labcorp Genetics (formerly Invitae), Labcorp
Classification: Pathogenic for Autosomal dominant spastic paraplegia type 9; de Barsy syndrome; Cutis laxa, autosomal dominant 3. Last evaluated: 2016-12-08. Review status: criteria provided, single submitter. Criteria: Invitae Variant Classification Sherloc (09022015). Collection method: clinical testing. Allele origin: germline.
Comment: the same text as in the submission from Labcorp Genetics (formerly Invitae), Labcorp above.

Literature cited by the submitters: PubMed 21739576.

NM_002860.4(ALDH18A1):c.741del (p.Asp247fs)

Gene: ALDH18A1 (aldehyde dehydrogenase 18 family member A1; minus strand). Cytogenetic location: 10q24.1.
Variant type: Deletion.
Coding change: c.741del on transcript NM_002860.4 (MANE Select); coding-DNA position 741, one base deleted (T; older notation c.741delT).
Protein change: p.Asp247fs; shifts the reading frame from aspartic acid 247.
Molecular consequence: frameshift variant.
Genome position (GRCh38, 1-based): chr10:95,633,026, A deleted on the plus strand (T on the coding strand, the reverse complement: ALDH18A1 is on the minus strand). VCF-style (leftmost placement, unchanged base first): chr10-95633025-TA-T. GRCh37 (hg19) VCF-style: chr10-97392782-TA-T.
Other names: c.735del, p.Asp245fs (NM_001017423.2, NM_001323415.2); c.408del, p.Asp136fs (NM_001323412.2, NM_001323416.2); c.741del, p.Asp247fs (NM_001323413.2, NM_001323414.2); c.636del, p.Asp212fs (NM_001323417.2); c.402del, p.Asp134fs (NM_001323418.2); c.105del, p.Asp35fs (NM_001323419.2); short protein forms D134fs, D212fs, D35fs, D136fs, D245fs, D247fs.
Identifiers: ClinVar variation 459841 (VCV000459841.8), dbSNP rs1555262375, ClinGen allele CA658658007.
Genomic context (GRCh38, chr10:95,633,025, plus strand): 5'-CATCTGAAAGAACAATCAAGAGATCAGTTTTCATTTCCACAGCCAGTCGGGCAGCCAGGC[TA>T]TCATTATCTTTAACACTAATAACCTAGAATGCAGATTAAAAAGTCATAAGTGAGTGAGCT-3'